The following is an entry in ClinVar:

ClinVar aggregate classification (germline): Likely benign (1 of 4 stars; one submission).

Allele frequency attached by ClinVar (database versions not stated): gnomAD exomes below 0.00001.
gnomAD v4.1: 4 of 1,169,612 alleles (0.00034%); highest among the groups gnomAD compares: Non-Finnish European, 0.00046%; no homozygotes.

Submission:

Laboratory for Molecular Medicine, Mass General Brigham Personalized Medicine
Classification: Likely benign. Last evaluated: 2011-03-08. Review status: criteria provided, single submitter. Criteria: LMM Criteria. Collection method: clinical testing. Allele origin: germline. Observed: 3 variant alleles.
Comment: -17C>T 5'UTR in promoter of TAZ: This variant was reported in 20% of chromosomes (Barth syndrome website, TAZ mutation database) and is therefore highly unlikel y to cause disease.

NM_000116.5(TAFAZZIN):c.-17C>T

Genes: DNASE1L1 (deoxyribonuclease 1 like 1; minus strand), TAFAZZIN (tafazzin, phospholipid-lysophospholipid transacylase; plus strand), LOC130068869 (ATAC-STARR-seq lymphoblastoid silent region 21101; plus strand). Cytogenetic location: Xq28.
Variant type: single nucleotide variant.
Coding change: c.-17C>T on transcript NM_000116.5 (MANE Select); 17 bases upstream of the start codon, C replaced by T.
Molecular consequence: 5 prime UTR variant. On other transcripts: non-coding transcript variant (1), intron variant (3).
Genome position (GRCh38, 1-based): chrX:154,411,827, C>T. VCF-style: chrX-154411827-C-T. GRCh37 (hg19) VCF-style: chrX-153640164-C-T.
Other names: c.-17C>T (NM_001303465.2, NM_001410698.1, NM_001440856.1 and 5 more transcripts); c.-88+64G>A (NM_001009934.3); c.-173+64G>A (NM_001009933.3); c.-431+64G>A (NM_001009932.3).
Identifiers: ClinVar variation 177806 (VCV000177806.6), dbSNP rs727504330, ClinGen allele CA180802.
Genomic context (GRCh38, chrX:154,411,827, plus strand): 5'-GGTCGAGGTCGCAGACCTAGAGGCGCCCCACAGGCCGGCCCGGGGCGCTGGGAGCGCCGG[C>T]CGCGGGCCGGGTGGGGATGCCTCTGCACGTGAAGTGGCCGTTCCCCGCGGTGCCGCCGCT-3'